The following is an entry in ClinVar:

ClinVar aggregate classification (germline): Uncertain significance. Review status: criteria provided, multiple submitters, no conflicts (2 of 4 stars). 2 submissions from 2 submitters: Uncertain significance (2). Last evaluated 2024-05-28.

Conditions:
Hereditary cancer-predisposing syndrome. Also called: Hereditary Cancer Syndrome; Neoplastic Syndromes, Hereditary; Tumor predisposition; Hereditary neoplastic syndrome. Identifiers: Orphanet 140162, MedGen C0027672, MeSH D009386, MONDO:0015356.
Ataxia-telangiectasia syndrome (AT). Also called: Cerebello-oculocutaneous telangiectasia; Immunodeficiency with ataxia telangiectasia; Ataxia-telangiectasia, complementation group E; Ataxia-telangiectasia, complementation group D; AT, COMPLEMENTATION GROUP C; ATAXIA-TELANGIECTASIA, COMPLEMENTATION GROUP A. Identifiers: Orphanet 100, MedGen C0004135, MONDO:0008840, OMIM 208900.

Submissions (2):

Ambry Genetics
Classification: Uncertain significance for Hereditary cancer-predisposing syndrome. Last evaluated: 2024-05-28. Review status: criteria provided, single submitter. Criteria: Ambry Variant Classification Scheme 2023. Collection method: clinical testing. Allele origin: germline.
Comment: The p.D2720H variant (also known as c.8158G>C), located in coding exon 55 of the ATM gene, results from a G to C substitution at nucleotide position 8158. The aspartic acid at codon 2720 is replaced by histidine, an amino acid with similar properties. This alteration has been identified in high-risk non-BRCA1/2 family (Li J et al. J Med Genet, 2016 Jan;53:34-42). This amino acid position is highly conserved in available vertebrate species. In addition, this alteration is predicted to be deleterious by in silico analysis. Based on the available evidence, the clinical significance of this variant remains unclear.

Labcorp Genetics (formerly Invitae), Labcorp
Classification: Uncertain significance for Ataxia-telangiectasia syndrome. Last evaluated: 2018-04-03. Review status: criteria provided, single submitter. Criteria: Invitae Variant Classification Sherloc (09022015). Collection method: clinical testing. Allele origin: germline.
Comment: This sequence change replaces aspartic acid with histidine at codon 2720 of the ATM protein (p.Asp2720His). The aspartic acid residue is highly conserved and there is a moderate physicochemical difference between aspartic acid and histidine. This variant is not present in population databases (ExAC no frequency). This variant has been reported in an individual with a personal and/or family history of breast and/or ovarian cancer (PMID: 26534844). Algorithms developed to predict the effect of missense changes on protein structure and function (SIFT, PolyPhen-2, Align-GVGD) all suggest that this variant is likely to be disruptive, but these predictions have not been confirmed by published functional studies and their clinical significance is uncertain. In summary, the available evidence is currently insufficient to determine the role of this variant in disease. Therefore, it has been classified as a Variant of Uncertain Significance.

Literature cited by the submitters: PubMed 26534844 (cited by Ambry Genetics and Labcorp Genetics (formerly Invitae), Labcorp).

NM_000051.4(ATM):c.8158G>C (p.Asp2720His)

Genes: ATM (ATM serine/threonine kinase; plus strand), C11orf65 (chromosome 11 open reading frame 65; minus strand). Cytogenetic location: 11q22.3.
Variant type: single nucleotide variant.
Coding change: c.8158G>C on transcript NM_000051.4 (MANE Select); coding-DNA position 8158, G replaced by C.
Protein change: p.Asp2720His; replaces aspartic acid 2720 with histidine.
Molecular consequence: missense variant. On other transcripts: intron variant (2).
Genome position (GRCh38, 1-based): chr11:108,335,851, G>C. VCF-style: chr11-108335851-G-C. GRCh37 (hg19) VCF-style: chr11-108206578-G-C.
Other names: c.8158G>C, p.Asp2720His (NM_001351834.2); c.641-26780C>G (NM_001330368.2); c.695-559C>G (NM_001351110.2); short protein forms D2720H.
Identifiers: ClinVar variation 574133 (VCV000574133.10), dbSNP rs876659942, ClinGen allele CA382562467.